The following is an entry in ClinVar:

NM_001048174.2(MUTYH):c.1093C>T (p.Pro365Ser)

Gene: MUTYH (mutY DNA glycosylase; minus strand). Cytogenetic location: 1p34.1.
Variant type: single nucleotide variant.
Coding change: c.1093C>T on transcript NM_001048174.2 (MANE Select); coding-DNA position 1093, C replaced by T.
Protein change: p.Pro365Ser; replaces proline 365 with serine.
Molecular consequence: missense variant. On other transcripts: non-coding transcript variant (7).
Genome position (GRCh38, 1-based): chr1:45,331,670, G>A on the plus strand (C>T on the coding strand, the complement: MUTYH is on the minus strand). VCF-style: chr1-45331670-G-A. GRCh37 (hg19) VCF-style: chr1-45797342-G-A.
Other names: c.1126C>T, p.Pro376Ser (NM_001293191.2, NM_001407069.1, NM_001407077.1); c.817C>T, p.Pro273Ser (NM_001293192.2, NM_001293196.2, NM_001407091.1); c.1093C>T, p.Pro365Ser (NM_001293195.2, NM_001407081.1, NM_001407088.1 and 6 more transcripts); c.748C>T, p.Pro250Ser (NM_001350650.2, NM_001407082.1, NM_001350651.2); c.1051C>T, p.Pro351Ser (NM_001407080.1); c.1135C>T, p.Pro379Ser (NM_001407083.1, NM_001407085.1); c.1096C>T, p.Pro366Ser (NM_001407086.1, NM_001048172.2, NM_001407071.1 and 1 more transcripts); c.1114C>T, p.Pro372Ser (NM_001407087.1); and 5 more; short protein forms P250S, P273S, P376S, P390S, P393S, P351S, P366S, P379S.
Identifiers: ClinVar variation 4113076 (VCV004113076.1).

ClinVar aggregate classification (germline): Uncertain significance (1 of 4 stars; one submission).

Conditions:
Hereditary cancer-predisposing syndrome. Also called: Tumor predisposition; Neoplastic Syndromes, Hereditary; Hereditary neoplastic syndrome; Hereditary Cancer Syndrome. Identifiers: Orphanet 140162, MedGen C0027672, MeSH D009386, MONDO:0015356.

Submission:

Ambry Genetics
Classification: Uncertain significance for Hereditary cancer-predisposing syndrome. Last evaluated: 2025-08-27. Review status: criteria provided, single submitter. Criteria: Ambry Variant Classification Scheme 2023. Collection method: clinical testing. Allele origin: germline.
Comment: The p.P393S variant (also known as c.1177C>T), located in coding exon 12 of the MUTYH gene, results from a C to T substitution at nucleotide position 1177. The proline at codon 393 is replaced by serine, an amino acid with similar properties. This amino acid position is conserved. In addition, this alteration is predicted to be deleterious by in silico analysis. Based on the available evidence, the clinical significance of this variant remains unclear.